The following is an entry in ClinVar:

ClinVar aggregate classification (germline): Uncertain significance (1 of 4 stars; one submission).

gnomAD v4.1: 1 of 1,614,114 alleles (0.000062%); highest among the groups gnomAD compares: Non-Finnish European, 0.000085%; no homozygotes.

Submission:

Ambry Genetics
Classification: Uncertain significance. Last evaluated: 2025-11-08. Review status: criteria provided, single submitter. Criteria: Ambry Variant Classification Scheme 2023. Collection method: clinical testing. Allele origin: germline.
Comment: The p.H621N variant (also known as c.1861C>A), located in coding exon 2 of the CDK12 gene, results from a C to A substitution at nucleotide position 1861. The histidine at codon 621 is replaced by asparagine, an amino acid with similar properties. This amino acid position is conserved. In addition, this alteration is predicted to be tolerated by in silico analysis. Based on the available evidence, the clinical significance of this variant remains unclear.

NM_016507.4(CDK12):c.1861C>A (p.His621Asn)

Gene: CDK12 (cyclin dependent kinase 12; plus strand). Cytogenetic location: 17q12.
Variant type: single nucleotide variant.
Coding change: c.1861C>A on transcript NM_016507.4 (MANE Select); coding-DNA position 1861, C replaced by A.
Protein change: p.His621Asn; replaces histidine 621 with asparagine.
Molecular consequence: missense variant.
Genome position (GRCh38, 1-based): chr17:39,471,693, C>A. VCF-style: chr17-39471693-C-A. GRCh37 (hg19) VCF-style: chr17-37627946-C-A.
Other names: c.1861C>A, p.His621Asn (NM_015083.4); short protein forms H621N.
Identifiers: ClinVar variation 4651434 (VCV004651434.1).